The following is an entry in ClinVar:

ClinVar aggregate classification (germline): Uncertain significance (1 of 4 stars; one submission).

Conditions:
Periodontitis, aggressive. Identifiers: MedGen C0031106, MONDO:0980757.
Haim-Munk syndrome (HMS). Also called: COCHIN JEWISH DISORDER; KERATOSIS PALMOPLANTARIS WITH PERIODONTOPATHIA AND ONYCHOGRYPOSIS. Identifiers: Orphanet 2342, MedGen C1855627, MONDO:0009491, OMIM 245010.
Papillon-Lefèvre syndrome (PALS). Also called: KERATOSIS PALMOPLANTARIS WITH PERIODONTOPATHIA; Papillon-Lefevre Disease. Identifiers: Orphanet 678, MedGen C0030360, MONDO:0009490, OMIM 245000.

Submission:

Labcorp Genetics (formerly Invitae), Labcorp
Classification: Uncertain significance for Haim-Munk syndrome; Periodontitis, aggressive; Papillon-Lefèvre syndrome. Last evaluated: 2022-09-07. Review status: criteria provided, single submitter. Criteria: Invitae Variant Classification Sherloc (09022015). Collection method: clinical testing. Allele origin: germline.
Comment: This sequence change replaces glycine, which is neutral and non-polar, with arginine, which is basic and polar, at codon 91 of the CTSC protein (p.Gly91Arg). This variant is not present in population databases (gnomAD no frequency). This variant has not been reported in the literature in individuals affected with CTSC-related conditions. Algorithms developed to predict the effect of missense changes on protein structure and function are either unavailable or do not agree on the potential impact of this missense change (SIFT: "Not Available"; PolyPhen-2: "Probably Damaging"; Align-GVGD: "Not Available"). In summary, the available evidence is currently insufficient to determine the role of this variant in disease. Therefore, it has been classified as a Variant of Uncertain Significance.

NM_001814.6(CTSC):c.271G>C (p.Gly91Arg)

Gene: CTSC (cathepsin C; minus strand). Cytogenetic location: 11q14.2.
Variant type: single nucleotide variant.
Coding change: c.271G>C on transcript NM_001814.6 (MANE Select); coding-DNA position 271, G replaced by C.
Protein change: p.Gly91Arg; replaces glycine 91 with arginine.
Molecular consequence: missense variant.
Genome position (GRCh38, 1-based): chr11:88,334,984, C>G on the plus strand (G>C on the coding strand, the complement: CTSC is on the minus strand). VCF-style: chr11-88334984-C-G. GRCh37 (hg19) VCF-style: chr11-88068152-C-G.
Other names: c.271G>C, p.Gly91Arg (NM_001114173.3, NM_148170.5); short protein forms G91R.
Identifiers: ClinVar variation 2114837 (VCV002114837.4), dbSNP rs1306319528, ClinGen allele CA382029790.